The following is an entry in ClinVar:

ClinVar aggregate classification (germline): Pathogenic. Review status: criteria provided, multiple submitters, no conflicts (2 of 4 stars). 3 submissions from 3 submitters: Pathogenic (3). Last evaluated 2023-03-11.

Conditions:
Hereditary cancer-predisposing syndrome. Also called: Hereditary neoplastic syndrome; Tumor predisposition; Neoplastic Syndromes, Hereditary; Hereditary Cancer Syndrome. Identifiers: Orphanet 140162, MedGen C0027672, MeSH D009386, MONDO:0015356.
Neurofibromatosis, type 1 (NF1). Also called: Neurofibromatosis, type I; NEUROFIBROMATOSIS, TYPE I, SOMATIC; Peripheral type neurofibromatosis; VON RECKLINGHAUSEN DISEASE. Identifiers: Orphanet 636, MedGen C0027831, MONDO:0018975, OMIM 162200. Disease mechanism: loss of function.

Submissions (3):

Mendelics
Classification: Pathogenic for Neurofibromatosis, type 1. Last evaluated: 2023-03-11. Review status: criteria provided, single submitter. Criteria: Mendelics Assertion Criteria 2017. Collection method: clinical testing. Allele origin: unknown.

Labcorp Genetics (formerly Invitae), Labcorp
Classification: Pathogenic for Neurofibromatosis, type 1. Last evaluated: 2022-07-13. Review status: criteria provided, single submitter. Criteria: Invitae Variant Classification Sherloc (09022015). Collection method: clinical testing. Allele origin: germline.
Comment: For these reasons, this variant has been classified as Pathogenic. This sequence change affects an acceptor splice site in intron 1 of the NF1 gene. It is expected to disrupt RNA splicing. Variants that disrupt the donor or acceptor splice site typically lead to a loss of protein function (PMID: 16199547), and loss-of-function variants in NF1 are known to be pathogenic (PMID: 10712197, 23913538). The frequency data for this variant in the population databases is considered unreliable, as metrics indicate poor data quality at this position in the gnomAD database. Disruption of this splice site has been observed in individuals with neurofibromatosis type 1 (PMID: 17426081, 22108604). ClinVar contains an entry for this variant (Variation ID: 428979). Algorithms developed to predict the effect of sequence changes on RNA splicing suggest that this variant may disrupt the consensus splice site.

Ambry Genetics
Classification: Pathogenic for Hereditary cancer-predisposing syndrome. Last evaluated: 2016-01-24. Review status: criteria provided, single submitter. Criteria: Ambry Autosomal Dominant and X-Linked criteria (10/2015). Collection method: clinical testing. Allele origin: germline. Observed: 1 variant allele.
Comment: The c.61-2A>T intronic pathogenic mutation results from an A to T substitution two nucleotides upstream from coding exon 2 in the NF1 gene.

Literature cited by the submitters: PubMed 16199547 (cited by Labcorp Genetics (formerly Invitae), Labcorp); PubMed 10712197 (cited by Labcorp Genetics (formerly Invitae), Labcorp); PubMed 23913538 (cited by Labcorp Genetics (formerly Invitae), Labcorp); PubMed 17426081 (cited by Labcorp Genetics (formerly Invitae), Labcorp); PubMed 22108604 (cited by Labcorp Genetics (formerly Invitae), Labcorp); PubMed 24932921 (cited by Ambry Genetics); PubMed 25612910 (cited by Ambry Genetics).

NM_001042492.3(NF1):c.61-2A>T

Gene: NF1 (neurofibromin 1; plus strand). Cytogenetic location: 17q11.2.
Variant type: single nucleotide variant.
Coding change: c.61-2A>T on transcript NM_001042492.3 (MANE Select); the canonical splice acceptor site of the intron before coding-DNA position 61, A replaced by T.
Molecular consequence: splice acceptor variant.
Genome position (GRCh38, 1-based): chr17:31,155,981, A>T. VCF-style: chr17-31155981-A-T. GRCh37 (hg19) VCF-style: chr17-29482999-A-T.
Other names: c.61-2A>T (NM_000267.4, NM_001128147.3).
Identifiers: ClinVar variation 428979 (VCV000428979.9), dbSNP rs1131691100, ClinGen allele CA398987996.